The following is an entry in ClinVar:

ClinVar aggregate classification (germline): Uncertain significance. Review status: criteria provided, multiple submitters, no conflicts (2 of 4 stars). 2 submissions from 2 submitters: Uncertain significance (2). Last evaluated 2025-04-08.

Conditions:
Fanconi anemia (FA). Also called: Fanconi's anemia. Identifiers: Orphanet 84, MedGen C0015625, MeSH D005199, MONDO:0019391.
Inborn genetic diseases. Identifiers: MedGen C0950123, MeSH D030342.

Submissions (2):

Ambry Genetics
Classification: Uncertain significance for Inborn genetic diseases. Last evaluated: 2025-04-08. Review status: criteria provided, single submitter. Criteria: Ambry Variant Classification Scheme 2023. Collection method: clinical testing. Allele origin: germline.
Comment: The p.L42F variant (also known as c.126G>T), located in coding exon 2 of the FANCG gene, results from a G to T substitution at nucleotide position 126. The leucine at codon 42 is replaced by phenylalanine, an amino acid with highly similar properties. This amino acid position is conserved. In addition, this alteration is predicted to be tolerated by in silico analysis. Based on the available evidence, the clinical significance of this variant remains unclear.

Labcorp Genetics (formerly Invitae), Labcorp
Classification: Uncertain significance for Fanconi anemia. Last evaluated: 2024-11-04. Review status: criteria provided, single submitter. Criteria: Invitae Variant Classification Sherloc (09022015). Collection method: clinical testing. Allele origin: germline.
Comment: This sequence change replaces leucine, which is neutral and non-polar, with phenylalanine, which is neutral and non-polar, at codon 42 of the FANCG protein (p.Leu42Phe). This variant is not present in population databases (gnomAD no frequency). This variant has not been reported in the literature in individuals affected with FANCG-related conditions. Invitae Evidence Modeling of protein sequence and biophysical properties (such as structural, functional, and spatial information, amino acid conservation, physicochemical variation, residue mobility, and thermodynamic stability) indicates that this missense variant is expected to disrupt FANCG protein function with a positive predictive value of 80%. In summary, the available evidence is currently insufficient to determine the role of this variant in disease. Therefore, it has been classified as a Variant of Uncertain Significance.

NM_004629.2(FANCG):c.126G>T (p.Leu42Phe)

Gene: FANCG (FA complementation group G; minus strand). Cytogenetic location: 9p13.3.
Variant type: single nucleotide variant.
Coding change: c.126G>T on transcript NM_004629.2 (MANE Select); coding-DNA position 126, G replaced by T.
Protein change: p.Leu42Phe; replaces leucine 42 with phenylalanine.
Molecular consequence: missense variant.
Genome position (GRCh38, 1-based): chr9:35,079,200, C>A on the plus strand (G>T on the coding strand, the complement: FANCG is on the minus strand). VCF-style: chr9-35079200-C-A. GRCh37 (hg19) VCF-style: chr9-35079197-C-A.
Other names: short protein forms L42F.
Identifiers: ClinVar variation 3704729 (VCV003704729.2).
Genomic context (GRCh38, chr9:35,079,200, plus strand): 5'-GACCCGCCTACCTTGCAGACTATGGAGGAGCCCTCTGAGCCCTTCCAGTGCATCCTGAGC[C>A]AACTGCTGTCGCCTCAGAGTCAGACCGGAGTTCTGAGCCACCTGCCACATGAGGGAGGGG-3'
Protein context (NP_004620.1, residues 32-52): NSGLTLRRQQ[Leu42Phe]AQDALEGLRG